The following is an entry in ClinVar:

NR_001566.3(TERC):n.103T>A

Genes: TERC (telomerase RNA component; minus strand), LOC110806306 (telomerase RNA component (TERC) promoter; plus strand). Cytogenetic location: 3q26.2.
Variant type: single nucleotide variant.
Molecular consequence: non-coding transcript variant (on NR_001566.3).
Genome position: GRCh38 VCF-style: chr3-169764958-A-T. GRCh37 (hg19) VCF-style: chr3-169482746-A-T.
Identifiers: ClinVar variation 4731140 (VCV004731140.1).

ClinVar aggregate classification (germline): Uncertain significance (1 of 4 stars; one submission).

Conditions:
Dyskeratosis congenita, autosomal dominant 1 (DKCA1). Also called: Dyskeratosis congenita Scoggins type. Identifiers: Orphanet 1775, MedGen C4551974, MONDO:0007485, OMIM 127550. Inheritance: Variable.

Submission:

Labcorp Genetics (formerly Invitae), Labcorp
Classification: Uncertain significance for Dyskeratosis congenita, autosomal dominant 1. Last evaluated: 2025-11-13. Review status: criteria provided, single submitter. Criteria: Invitae Variant Classification Sherloc (09022015). Collection method: clinical testing. Allele origin: germline.
Comment: This variant occurs in the TERC gene, which encodes an RNA molecule that does not result in a protein product. This variant is not present in population databases (gnomAD no frequency). This variant has not been reported in the literature in individuals affected with TERC-related conditions. This variant is located within the template/pseudoknot domain of the TERC RNA component, which is required for RNA or RNP stability (PMID: 15082312, 21844345). This variant is located in a region of TERC in which a significant number of disease causing variants have been reported (PMID: 15082312, 21844345, 21931702). These observations suggest that this may be a clinically significant region. In summary, the available evidence is currently insufficient to determine the role of this variant in disease. Therefore, it has been classified as a Variant of Uncertain Significance.

Literature cited by the submitters: PubMed 15082312; PubMed 21844345; PubMed 21931702.